The following is an entry in ClinVar:

NM_001256071.3(RNF213):c.3067C>T (p.Arg1023Trp)

Gene: RNF213 (ring finger protein 213; plus strand). Cytogenetic location: 17q25.3.
Variant type: single nucleotide variant.
Coding change: c.3067C>T on transcript NM_001256071.3 (MANE Select); coding-DNA position 3067, C replaced by T.
Protein change: p.Arg1023Trp; replaces arginine 1023 with tryptophan.
Molecular consequence: missense variant.
Genome position (GRCh38, 1-based): chr17:80,325,072, C>T. VCF-style: chr17-80325072-C-T. GRCh37 (hg19) VCF-style: chr17-78298872-C-T.
Other names: c.3214C>T, p.Arg1072Trp (NM_001410195.1, NM_020914.5); c.3067C>T (NM_001256071.2); short protein forms R1072W, R1023W.
Identifiers: ClinVar variation 2061776 (VCV002061776.5), dbSNP rs777013389, ClinGen allele CA8820140.

ClinVar aggregate classification (germline): Uncertain significance. Review status: criteria provided, multiple submitters, no conflicts (2 of 4 stars). 2 submissions from 2 submitters: Uncertain significance (2). Last evaluated 2024-12-09.

Conditions:
RNF213-related disorder. Also called: RNF213-related condition.

Allele frequency attached by ClinVar (database versions not stated): gnomAD 0.00009; ExAC 0.00011.
gnomAD v4.1: 127 of 1,537,042 alleles (0.0083%); highest among the groups gnomAD compares: Middle Eastern, 0.033%; no homozygotes.

Submissions (2):

PreventionGenetics, part of Exact Sciences
Classification: Uncertain significance for RNF213-related condition. Last evaluated: 2024-12-09. Review status: criteria provided, single submitter. Criteria: ACMG Guidelines, 2015. Collection method: clinical testing. Allele origin: germline.
Comment: The RNF213 c.3067C>T variant is predicted to result in the amino acid substitution p.Arg1023Trp. This variant was reported in a control individual in a moyamoya disease cohort study (Moteki et al. 2015. PubMed ID: 25964206). This variant is reported in 0.015% of alleles in individuals of European (Non-Finnish) descent in gnomAD. At this time, the clinical significance of this variant is uncertain due to the absence of conclusive functional and genetic evidence.

Labcorp Genetics (formerly Invitae), Labcorp
Classification: Uncertain significance. Last evaluated: 2022-09-27. Review status: criteria provided, single submitter. Criteria: Invitae Variant Classification Sherloc (09022015). Collection method: clinical testing. Allele origin: germline.
Comment: In summary, the available evidence is currently insufficient to determine the role of this variant in disease. Therefore, it has been classified as a Variant of Uncertain Significance. Algorithms developed to predict the effect of missense changes on protein structure and function output the following: SIFT: "Deleterious"; PolyPhen-2: "Benign"; Align-GVGD: "Class C0". The tryptophan amino acid residue is found in multiple mammalian species, which suggests that this missense change does not adversely affect protein function. This variant has not been reported in the literature in individuals affected with RNF213-related conditions. This variant is present in population databases (rs777013389, gnomAD 0.01%). This sequence change replaces arginine, which is basic and polar, with tryptophan, which is neutral and slightly polar, at codon 1023 of the RNF213 protein (p.Arg1023Trp).